The following is an entry in ClinVar:

ClinVar aggregate classification (germline): Uncertain significance (1 of 4 stars; one submission).

Conditions:
Glutathione synthetase deficiency with 5-oxoprolinuria. Also called: 5-OXOPROLINURIA DUE TO GLUTATHIONE SYNTHETASE DEFICIENCY; Reduced glutathione synthetase level; PYROGLUTAMIC ACIDURIA; 5-Oxoprolinuria; Gluthathione synthetase deficiency. Identifiers: Orphanet 289846, MedGen C0398746, MONDO:0009947, OMIM 266130, HP:0003343.

Allele frequency attached by ClinVar (database versions not stated): gnomAD exomes below 0.00001.
gnomAD v4.1: 1 of 1,613,810 alleles (0.000062%); highest among the groups gnomAD compares: Non-Finnish European, 0.000085%; no homozygotes.

Submission:

Labcorp Genetics (formerly Invitae), Labcorp
Classification: Uncertain significance for Glutathione synthetase deficiency with 5-oxoprolinuria. Last evaluated: 2024-01-22. Review status: criteria provided, single submitter. Criteria: Invitae Variant Classification Sherloc (09022015). Collection method: clinical testing. Allele origin: germline.
Comment: This sequence change replaces asparagine, which is neutral and polar, with serine, which is neutral and polar, at codon 373 of the GSS protein (p.Asn373Ser). This variant is not present in population databases (gnomAD no frequency). This variant has not been reported in the literature in individuals affected with GSS-related conditions. ClinVar contains an entry for this variant (Variation ID: 1949931). Advanced modeling of protein sequence and biophysical properties (such as structural, functional, and spatial information, amino acid conservation, physicochemical variation, residue mobility, and thermodynamic stability) performed at Invitae indicates that this missense variant is expected to disrupt GSS protein function with a positive predictive value of 80%. In summary, the available evidence is currently insufficient to determine the role of this variant in disease. Therefore, it has been classified as a Variant of Uncertain Significance.

NM_000178.4(GSS):c.1118A>G (p.Asn373Ser)

Gene: GSS (glutathione synthetase; minus strand). Cytogenetic location: 20q11.22.
Variant type: single nucleotide variant.
Coding change: c.1118A>G on transcript NM_000178.4 (MANE Select); coding-DNA position 1118, A replaced by G.
Protein change: p.Asn373Ser; replaces asparagine 373 with serine.
Molecular consequence: missense variant.
Genome position (GRCh38, 1-based): chr20:34,929,584, T>C on the plus strand (A>G on the coding strand, the complement: GSS is on the minus strand). VCF-style: chr20-34929584-T-C. GRCh37 (hg19) VCF-style: chr20-33517387-T-C.
Other names: c.1118A>G, p.Asn373Ser (NM_001322494.1, NM_001322495.1); short protein forms N373S.
Identifiers: ClinVar variation 1949931 (VCV001949931.5), dbSNP rs1569008290, ClinGen allele CA408700801.
Genomic context (GRCh38, chr20:34,929,584, plus strand): 5'-GCCCTCTCCTCACTGTCCTTCAGCTGTTTCAGGGCCTGTACCATTTCCTCCCCATATAGG[T>C]TGTTACCTGCAATGAAACTGGCCAGTCACCCTGGACCCTCTGCCTACCTCCTCCATCCCA-3'
Protein context (NP_000169.1, residues 363-383): LKPQREGGGN[Asn373Ser]LYGEEMVQAL